The following is an entry in ClinVar:

ClinVar aggregate classification (germline): Pathogenic. Review status: reviewed by expert panel (3 of 4 stars). 2 submissions from 2 submitters: Pathogenic (1). 1 of the submissions does not count toward it. Last evaluated 2016-10-18.

Conditions:
Breast-ovarian cancer, familial, susceptibility to, 2 (BROVCA2). Also called: BRCA2 Hereditary Breast and Ovarian Cancer. Identifiers: Orphanet 145, MedGen C2675520, MONDO:0012933, OMIM 612555. Disease mechanism: loss of function.

Submissions (2):

Evidence-based Network for the Interpretation of Germline Mutant Alleles (ENIGMA)
Classification: Pathogenic for Breast-ovarian cancer, familial, susceptibility to, 2. Last evaluated: 2016-10-18. Review status: reviewed by expert panel. Criteria: ENIGMA BRCA1/2 Classification Criteria (2015). Collection method: curation. Allele origin: germline.
Comment: Variant allele predicted to encode a truncated non-functional protein.

Consortium of Investigators of Modifiers of BRCA1/2 (CIMBA), c/o University of Cambridge
Classification: Pathogenic for Breast-ovarian cancer, familial, susceptibility to, 2. Last evaluated: 2015-10-02. Review status: criteria provided, single submitter. Criteria: CIMBA Mutation Classification guidelines May 2016. Collection method: clinical testing. Allele origin: germline. Not counted in ClinVar's aggregate classification.

NC_000013.11:g.32337505_32337508delinsATTTT

Gene: BRCA2 (BRCA2 DNA repair associated; plus strand). Cytogenetic location: 13q13.1.
Variant type: Indel.
Genome position: GRCh38 VCF-style: chr13-32337505-CTTG-ATTTT. GRCh37 (hg19) VCF-style: chr13-32911642-CTTG-ATTTT.
Other names: 3378_3381delCTTGinsATTTT; c.3150_3153delinsATTTT, p.Leu1051fs (LRG_293t1).
Identifiers: ClinVar variation 266736 (VCV000266736.5), dbSNP rs886040461, ClinGen allele CA10589188.
Genomic context (GRCh38, chr13:32,337,505, plus strand): 5'-CTTCAAAGATATTGAAGAACAATATCCTACTAGTTTAGCTTGTGTTGAAATTGTAAATAC[CTTG>ATTTT]GCATTAGATAATCAAAAGAAACTGAGCAAGCCTCAGTCAATTAATACTGTATCTGCACAT-3'